The following is an entry in ClinVar:

ClinVar aggregate classification (germline): Uncertain significance. Review status: criteria provided, multiple submitters, no conflicts (2 of 4 stars). 5 submissions from 5 submitters: Uncertain significance (5). Last evaluated 2025-12-28.

Conditions:
RYR1-related disorder. Also called: RYR1-related disorders; RYR1-related condition. Identifiers: MedGen CN239331.
Central core myopathy (CMYO1A). Also called: CONGENITAL MYOPATHY 1A, AUTOSOMAL DOMINANT, WITH SUSCEPTIBILITY TO MALIGNANT HYPERTHERMIA; Central core disease; Myopathy, central fibrillar. Identifiers: Orphanet 597, MedGen C5830701, MONDO:0007294, OMIM 117000.
Malignant hyperthermia, susceptibility to, 1 (MHS1). Also called: RYR1-Related Malignant Hyperthermia Susceptibility; Malignant hyperthermia suceptibility 1; Anesthesia related hyperthermia; Malignant hyperpyrexia; Fulminating hyperpyrexia; Pharmacogenic myopathy. Identifiers: Orphanet 423, MedGen C2930980, MONDO:0007783, OMIM 145600.

Submissions (5):

Labcorp Genetics (formerly Invitae), Labcorp
Classification: Uncertain significance for RYR1-related disorder. Last evaluated: 2025-12-28. Review status: criteria provided, single submitter. Criteria: Invitae Variant Classification Sherloc (09022015). Collection method: clinical testing. Allele origin: germline.
Comment: This sequence change replaces proline, which is neutral and non-polar, with leucine, which is neutral and non-polar, at codon 804 of the RYR1 protein (p.Pro804Leu). This variant is not present in population databases (gnomAD no frequency). This missense change has been observed in individual(s) with RYR1-related conditions (PMID: 32236737). ClinVar contains an entry for this variant (Variation ID: 392505). Invitae Evidence Modeling of protein sequence and biophysical properties (such as structural, functional, and spatial information, amino acid conservation, physicochemical variation, residue mobility, and thermodynamic stability) indicates that this missense variant is expected to disrupt RYR1 protein function with a positive predictive value of 95%. In summary, the available evidence is currently insufficient to determine the role of this variant in disease. Therefore, it has been classified as a Variant of Uncertain Significance.

GeneDx
Classification: Uncertain significance. Last evaluated: 2025-11-07. Review status: criteria provided, single submitter. Criteria: GeneDx Variant Classification Process June 2021. Collection method: clinical testing. Allele origin: germline. Affected: yes.
Comment: Reported in one individual from a dataset of patients with presumed RYR1-related myopathy; however, further clinical information was not provided (PMID: 32236737); Not observed at significant frequency in large population cohorts (gnomAD); In silico analysis supports that this missense variant has a deleterious effect on protein structure/function; This variant is associated with the following publications: (PMID: 32236737)

All of Us Research Program, National Institutes of Health
Classification: Uncertain significance for Malignant hyperthermia, susceptibility to, 1. Last evaluated: 2023-07-19. Review status: criteria provided, single submitter. Criteria: ACMG Guidelines, 2015. Collection method: clinical testing. Allele origin: germline. Inheritance: Autosomal dominant inheritance. Observed: 1 variant allele, 1 heterozygote.
Comment: This missense variant replaces proline with leucine at codon 804 of the RYR1 protein. Computational prediction suggests that this variant may have deleterious impact on protein structure and function (internally defined REVEL score threshold >= 0.7, PMID: 27666373). To our knowledge, functional studies have not been reported for this variant. This variant has not been reported in individuals affected with RYR1-related disorders in the literature. This variant has not been identified in the general population by the Genome Aggregation Database (gnomAD). The available evidence is insufficient to determine the role of this variant in disease conclusively. Therefore, this variant is classified as a Variant of Uncertain Significance.

This study involves interpretation of variants in research participants for the purpose of population health screening. Participant phenotype was not available at the time of variant classification. Additional details can be found in publication PMID: 35346344, PMCID: PMC8962531

HudsonAlpha Institute for Biotechnology
Classification: Uncertain significance for Central core myopathy. Last evaluated: 2021-09-24. Review status: criteria provided, single submitter. Criteria: ACMG Guidelines, 2015. Collection method: research. Allele origin: unknown. Observed: 1 variant allele. Study: HudsonAlpha-AGHI-WGS.
Comment: ACMG codes: PM2

PreventionGenetics, part of Exact Sciences
Classification: Uncertain significance. Last evaluated: 2017-11-15. Review status: criteria provided, single submitter. Criteria: ACMG Guidelines, 2015. Collection method: clinical testing. Allele origin: germline.

Literature cited by the submitters: PubMed 32236737 (cited by Labcorp Genetics (formerly Invitae), Labcorp).

NM_000540.3(RYR1):c.2411C>T (p.Pro804Leu)

Gene: RYR1 (ryanodine receptor 1; plus strand). Cytogenetic location: 19q13.2.
Variant type: single nucleotide variant.
Coding change: c.2411C>T on transcript NM_000540.3 (MANE Select); coding-DNA position 2411, C replaced by T.
Protein change: p.Pro804Leu; replaces proline 804 with leucine.
Molecular consequence: missense variant.
Genome position (GRCh38, 1-based): chr19:38,460,425, C>T. VCF-style: chr19-38460425-C-T. GRCh37 (hg19) VCF-style: chr19-38951065-C-T.
Other names: c.2411C>T, p.Pro804Leu (NM_001042723.2); short protein forms P804L.
Identifiers: ClinVar variation 392505 (VCV000392505.9), dbSNP rs1057524519, ClinGen allele CA16607790.